The following is an entry in ClinVar:

ClinVar aggregate classification (germline): Uncertain significance (1 of 4 stars; one submission).

Submission:

Labcorp Genetics (formerly Invitae), Labcorp
Classification: Uncertain significance. Last evaluated: 2018-10-08. Review status: criteria provided, single submitter. Criteria: Invitae Variant Classification Sherloc (09022015). Collection method: clinical testing. Allele origin: germline.
Comment: This variant is not present in population databases (ExAC no frequency). This sequence change replaces proline with serine at codon 415 of the CHRM2 protein (p.Pro415Ser). The proline residue is weakly conserved and there is a moderate physicochemical difference between proline and serine. This variant has not been reported in the literature in individuals with CHRM2-related disease. In summary, the available evidence is currently insufficient to determine the role of this variant in disease. Therefore, it has been classified as a Variant of Uncertain Significance. Algorithms developed to predict the effect of missense changes on protein structure and function (SIFT, PolyPhen-2, Align-GVGD) all suggest that this variant is likely to be tolerated, but these predictions have not been confirmed by published functional studies and their clinical significance is uncertain.

NM_001006630.2(CHRM2):c.1243C>T (p.Pro415Ser)

Genes: CHRM2 (cholinergic receptor muscarinic 2; plus strand), LOC349160 (uncharacterized LOC349160; minus strand). Cytogenetic location: 7q33.
Variant type: single nucleotide variant.
Coding change: c.1243C>T on transcript NM_001006630.2 (MANE Select); coding-DNA position 1243, C replaced by T.
Protein change: p.Pro415Ser; replaces proline 415 with serine.
Molecular consequence: missense variant.
Genome position (GRCh38, 1-based): chr7:137,016,108, C>T. VCF-style: chr7-137016108-C-T. GRCh37 (hg19) VCF-style: chr7-136700855-C-T.
Other names: c.1243C>T, p.Pro415Ser (NM_000739.3, NM_001006626.3, NM_001006627.3 and 6 more transcripts); short protein forms P415S.
Identifiers: ClinVar variation 640574 (VCV000640574.8), dbSNP rs1584929720, ClinGen allele CA369488274.